The following is an entry in ClinVar:

ClinVar aggregate classification (germline): Pathogenic (1 of 4 stars; one submission).

Conditions:
Retinitis pigmentosa (RP). Identifiers: Orphanet 791, MedGen C0035334, MeSH D012174, MONDO:0019200, OMIM 268000. Inheritance: Autosomal dominant, autosomal recessive and X linked inheritance.

Submission:

Women's Health and Genetics/Laboratory Corporation of America, LabCorp
Classification: Pathogenic for Retinitis pigmentosa. Last evaluated: 2026-01-05. Review status: criteria provided, single submitter. Criteria: LabCorp Variant Classification Summary - May 2015. Collection method: clinical testing. Allele origin: germline.
Comment: Variant summary: CWC27 c.1122_1125delGTCA (p.Ser375ArgfsX14) results in a premature termination codon, predicted to cause a truncation of the encoded protein or absence of the protein due to nonsense mediated decay, which are commonly known mechanisms for disease. The variant allele was found at a frequency of 1.2e-05 in 248748 control chromosomes. To our knowledge, no occurrence of c.1122_1125delGTCA in individuals affected with CWC27-related conditions and no experimental evidence demonstrating its impact on protein function have been reported. No submitters have cited clinical-significance assessments for this variant to ClinVar. Based on the evidence outlined above, the variant was classified as pathogenic.

NM_005869.4(CWC27):c.1122_1125del (p.Ser375fs)

Gene: CWC27 (CWC27 spliceosome associated cyclophilin; plus strand). Cytogenetic location: 5q12.3.
Variant type: Deletion.
Coding change: c.1122_1125del on transcript NM_005869.4 (MANE Select); coding-DNA positions 1122 to 1125, 4 bases deleted (GTCA; older notation c.1122_1125delGTCA).
Protein change: p.Ser375fs; shifts the reading frame from serine 375.
Molecular consequence: frameshift variant.
Genome position (GRCh38, 1-based): chr5:64,971,782-64,971,785, GTCA deleted; deleting any 4 consecutive bases within chr5:64,971,780-64,971,785 gives the same sequence; the c. name uses the placement nearest the transcript's 3' end. VCF-style (leftmost placement, unchanged base first): chr5-64971779-ACAGT-A. GRCh37 (hg19) VCF-style: chr5-64267606-ACAGT-A.
Other names: c.1122_1125del, p.Ser375fs (NM_001297644.1); c.1122_1125delGTCA (NM_005869.4); short protein forms S375fs.
Identifiers: ClinVar variation 4689671 (VCV004689671.1).
Genomic context (GRCh38, chr5:64,971,779, plus strand): 5'-AGATGGTGCTGTTGCCGAATACAGAAGAGAAAAGCAAAAGTATGAAGCTTTGAGGAAGCA[ACAGT>A]CAAAGAAGGGAACTTCCCGGGAAGATCAGGTAACTTCAAAAACCCAAATCCATACAGAAC-3'